The following is an entry in ClinVar:

NM_001375524.1(TRRAP):c.10594A>T (p.Ile3532Phe)

Gene: TRRAP (transformation/transcription domain associated protein; plus strand). Cytogenetic location: 7q22.1.
Variant type: single nucleotide variant.
Coding change: c.10594A>T on transcript NM_001375524.1 (MANE Select); coding-DNA position 10594, A replaced by T.
Protein change: p.Ile3532Phe; replaces isoleucine 3532 with phenylalanine.
Molecular consequence: missense variant.
Genome position (GRCh38, 1-based): chr7:99,005,189, A>T. VCF-style: chr7-99005189-A-T. GRCh37 (hg19) VCF-style: chr7-98602812-A-T.
Other names: c.10552A>T, p.Ile3518Phe (NM_001244580.2); c.10465A>T, p.Ile3489Phe (NM_003496.4); c.10552A>T (NM_001244580.1); c.10465A>T (NM_003496.3); short protein forms I3518F, I3489F, I3532F.
Identifiers: ClinVar variation 1974963 (VCV001974963.7), dbSNP rs974640813, ClinGen allele CA163091699.

ClinVar aggregate classification (germline): Uncertain significance. Review status: criteria provided, multiple submitters, no conflicts (2 of 4 stars). 3 submissions from 3 submitters: Uncertain significance (3). Last evaluated 2025-01-27.

Conditions:
Inborn genetic diseases. Identifiers: MedGen C0950123, MeSH D030342.

Allele frequency attached by ClinVar (database versions not stated): gnomAD exomes below 0.00001.
gnomAD v4.1: 2 of 1,614,102 alleles (0.00012%); highest among the groups gnomAD compares: Non-Finnish European, 0.00017%; no homozygotes.

Submissions (3):

Ambry Genetics
Classification: Uncertain significance for Inborn genetic diseases. Last evaluated: 2025-01-27. Review status: criteria provided, single submitter. Criteria: Ambry Variant Classification Scheme 2023. Collection method: clinical testing. Allele origin: germline.

GeneDx
Classification: Uncertain significance. Last evaluated: 2022-11-23. Review status: criteria provided, single submitter. Criteria: GeneDx Variant Classification Process June 2021. Collection method: clinical testing. Allele origin: germline. Affected: yes.
Comment: Not observed at significant frequency in large population cohorts (gnomAD); In silico analysis supports that this missense variant has a deleterious effect on protein structure/function; Has not been previously published as pathogenic or benign to our knowledge

Labcorp Genetics (formerly Invitae), Labcorp
Classification: Uncertain significance. Last evaluated: 2022-07-21. Review status: criteria provided, single submitter. Criteria: Invitae Variant Classification Sherloc (09022015). Collection method: clinical testing. Allele origin: germline.
Comment: In summary, the available evidence is currently insufficient to determine the role of this variant in disease. Therefore, it has been classified as a Variant of Uncertain Significance. Algorithms developed to predict the effect of missense changes on protein structure and function are either unavailable or do not agree on the potential impact of this missense change (SIFT: "Deleterious"; PolyPhen-2: "Probably Damaging"; Align-GVGD: "Class C0"). This variant has not been reported in the literature in individuals affected with TRRAP-related conditions. This variant is not present in population databases (gnomAD no frequency). This sequence change replaces isoleucine, which is neutral and non-polar, with phenylalanine, which is neutral and non-polar, at codon 3489 of the TRRAP protein (p.Ile3489Phe).